The following is an entry in ClinVar:

ClinVar aggregate classification (germline): Uncertain significance (1 of 4 stars; one submission).

Conditions:
Muscular dystrophy-dystroglycanopathy type B6 (MDDGB6). Also called: MUSCULAR DYSTROPHY, CONGENITAL, LARGE-RELATED; MUSCULAR DYSTROPHY, CONGENITAL, TYPE 1D; MUSCULAR DYSTROPHY-DYSTROGLYCANOPATHY (CONGENITAL WITH IMPAIRED INTELLECTUAL DEVELOPMENT), TYPE B, 6. Identifiers: MedGen C1837229, MONDO:0012138, OMIM 608840.

Submission:

Labcorp Genetics (formerly Invitae), Labcorp
Classification: Uncertain significance for Muscular dystrophy-dystroglycanopathy type B6. Last evaluated: 2024-07-15. Review status: criteria provided, single submitter. Criteria: Invitae Variant Classification Sherloc (09022015). Collection method: clinical testing. Allele origin: germline.
Comment: This sequence change replaces arginine, which is basic and polar, with proline, which is neutral and non-polar, at codon 95 of the LARGE1 protein (p.Arg95Pro). This variant is not present in population databases (gnomAD no frequency). This variant has not been reported in the literature in individuals affected with LARGE1-related conditions. An algorithm developed to predict the effect of missense changes on protein structure and function (PolyPhen-2) suggests that this variant is likely to be tolerated. In summary, the available evidence is currently insufficient to determine the role of this variant in disease. Therefore, it has been classified as a Variant of Uncertain Significance.

NM_133642.5(LARGE1):c.284G>C (p.Arg95Pro)

Gene: LARGE1 (LARGE xylosyl- and glucuronyltransferase 1; minus strand). Cytogenetic location: 22q12.3.
Variant type: single nucleotide variant.
Coding change: c.284G>C on transcript NM_133642.5 (MANE Select); coding-DNA position 284, G replaced by C.
Protein change: p.Arg95Pro; replaces arginine 95 with proline.
Molecular consequence: missense variant.
Genome position (GRCh38, 1-based): chr22:33,650,491, C>G on the plus strand (G>C on the coding strand, the complement: LARGE1 is on the minus strand). VCF-style: chr22-33650491-C-G. GRCh37 (hg19) VCF-style: chr22-34046477-C-G.
Other names: c.284G>C, p.Arg95Pro (NM_001362949.2, NM_001362951.2, NM_001362953.2 and 7 more transcripts); short protein forms R95P.
Identifiers: ClinVar variation 3690392 (VCV003690392.2).